The following is an entry in ClinVar:

NM_004187.5(KDM5C):c.4118-9A>G

Gene: KDM5C (lysine demethylase 5C; minus strand). Cytogenetic location: Xp11.22.
Variant type: single nucleotide variant.
Coding change: c.4118-9A>G on transcript NM_004187.5 (MANE Select); 9 bases into the intron before coding-DNA position 4118, A replaced by G.
Molecular consequence: intron variant.
Genome position (GRCh38, 1-based): chrX:53,193,645, T>C on the plus strand (A>G on the coding strand, the complement: KDM5C is on the minus strand). VCF-style: chrX-53193645-T-C. GRCh37 (hg19) VCF-style: chrX-53222827-T-C.
Other names: c.4106-9A>G (NM_001353982.2); c.4115-9A>G (NM_001353979.2, NM_001282622.3); c.4109-9A>G (NM_001353981.2, NM_001353984.2, NM_001353978.3); c.3908-9A>G (NM_001146702.2).
Identifiers: ClinVar variation 2501589 (VCV002501589.6), dbSNP rs2146815940, ClinGen allele CA2580610868.

ClinVar aggregate classification (germline): Likely pathogenic (1 of 4 stars; one submission).

Conditions:
Intellectual developmental disorder, X-linked, syndromic, Claes-Jensen type. Also called: Syndromic X-linked intellectual disability Claes-Jensen type; INTELLECTUAL DEVELOPMENTAL DISORDER, X-LINKED, SYNDROMIC 16; MENTAL RETARDATION, X-LINKED, SYNDROMIC 16. Identifiers: Orphanet 85279, MedGen C1845243, MONDO:0010355, OMIM 300534.

Submission:

GeneDx
Classification: Likely pathogenic. Last evaluated: 2026-01-29. Review status: criteria provided, single submitter. Criteria: GeneDx Variant Classification Process June 2021. Collection method: clinical testing. Allele origin: germline. Affected: yes.
Comment: Reported in an individual with cognitive impairment; limited further clinical and segregation information was provided (PMID: 41537560); Not observed at significant frequency in large population cohorts (gnomAD); In silico analysis supports a deleterious effect on splicing; This variant is associated with the following publications: (PMID: 41537560)